The following is an entry in ClinVar:

ClinVar aggregate classification (germline): Uncertain significance (1 of 4 stars; one submission).

Conditions:
Developmental and epileptic encephalopathy 94 (DEE94). Also called: Epileptic encephalopathy, childhood-onset; CHD2-Related Neurodevelopmental Disorders. Identifiers: Orphanet 1942, Orphanet 2382, MedGen C3809278, MONDO:0014150, OMIM 615369.

Submission:

Labcorp Genetics (formerly Invitae), Labcorp
Classification: Uncertain significance for Developmental and epileptic encephalopathy 94. Last evaluated: 2024-08-30. Review status: criteria provided, single submitter. Criteria: Invitae Variant Classification Sherloc (09022015). Collection method: clinical testing. Allele origin: germline.
Comment: This sequence change replaces aspartic acid, which is acidic and polar, with glutamic acid, which is acidic and polar, at codon 821 of the CHD2 protein (p.Asp821Glu). This variant is not present in population databases (gnomAD no frequency). This variant has not been reported in the literature in individuals affected with CHD2-related conditions. Invitae Evidence Modeling of protein sequence and biophysical properties (such as structural, functional, and spatial information, amino acid conservation, physicochemical variation, residue mobility, and thermodynamic stability) indicates that this missense variant is not expected to disrupt CHD2 protein function with a negative predictive value of 95%. In summary, the available evidence is currently insufficient to determine the role of this variant in disease. Therefore, it has been classified as a Variant of Uncertain Significance.

NM_001271.4(CHD2):c.2463T>G (p.Asp821Glu)

Gene: CHD2 (chromodomain helicase DNA binding protein 2; plus strand). Cytogenetic location: 15q26.1.
Variant type: single nucleotide variant.
Coding change: c.2463T>G on transcript NM_001271.4 (MANE Select); coding-DNA position 2463, T replaced by G.
Protein change: p.Asp821Glu; replaces aspartic acid 821 with glutamic acid.
Molecular consequence: missense variant.
Genome position (GRCh38, 1-based): chr15:92,972,375, T>G. VCF-style: chr15-92972375-T-G. GRCh37 (hg19) VCF-style: chr15-93515605-T-G.
Other names: short protein forms D821E.
Identifiers: ClinVar variation 3636677 (VCV003636677.2).